The following is an entry in ClinVar:

ClinVar aggregate classification (germline): Likely pathogenic (1 of 4 stars; one submission).

Conditions:
Alstrom syndrome (ALMS). Identifiers: Orphanet 64, MedGen C0268425, MONDO:0008763, OMIM 203800.

Submission:

Natera, Inc.
Classification: Likely pathogenic for Alstrom syndrome. Last evaluated: 2026-01-09. Review status: criteria provided, single submitter. Criteria: Natera Variant Classification Schema (03/2026). Collection method: clinical testing. Allele origin: germline.
Comment: The c.3539dup variant in ALMS1 is a frameshift variant predicted to shift the reading frame beginning at codon 1180 and leads to a stop codon 31 codons downstream. This variant is expected to result in nonsense mediated decay, truncation, or a dysfunctional protein product. This variant is rare in the general population with a frequency below the threshold expected for the associated phenotype(s). Given the available evidence, this variant is classified as Likely Pathogenic.

NM_001378454.1(ALMS1):c.3536dup (p.Asn1179fs)

Gene: ALMS1 (ALMS1 centrosome and basal body associated protein; plus strand). Cytogenetic location: 2p13.1.
Variant type: Duplication.
Coding change: c.3536dup on transcript NM_001378454.1 (MANE Select); coding-DNA position 3536, one base duplicated (A; older notation c.3536dupA).
Protein change: p.Asn1179fs; shifts the reading frame from asparagine 1179.
Molecular consequence: frameshift variant.
Genome position (GRCh38, 1-based): chr2:73,450,063, A duplicated; the last of 2 consecutive A bases (chr2:73,450,062-73,450,063); duplicating either gives the same sequence. VCF-style (leftmost placement, unchanged base first): chr2-73450061-T-TA. GRCh37 (hg19) VCF-style: chr2-73677188-T-TA.
Other names: c.3539dup, p.Asn1180fs (NM_015120.4); short protein forms N1179fs, N1180fs.
Identifiers: ClinVar variation 4815781 (VCV004815781.1).